The following is an entry in ClinVar:

NM_000245.4(MET):c.1723C>A (p.Leu575Ile)

Gene: MET (MET proto-oncogene, receptor tyrosine kinase; plus strand). Cytogenetic location: 7q31.2.
Variant type: single nucleotide variant.
Coding change: c.1723C>A on transcript NM_000245.4 (MANE Select); coding-DNA position 1723, C replaced by A.
Protein change: p.Leu575Ile; replaces leucine 575 with isoleucine.
Molecular consequence: missense variant.
Genome position (GRCh38, 1-based): chr7:116,755,376, C>A. VCF-style: chr7-116755376-C-A. GRCh37 (hg19) VCF-style: chr7-116395430-C-A.
Other names: c.1723C>A, p.Leu575Ile (NM_001127500.3, NM_001324401.3); c.433C>A, p.Leu145Ile (NM_001324402.2); c.1723C>A (NM_001127500.2); short protein forms L575I, L145I.
Identifiers: ClinVar variation 134653 (VCV000134653.21), dbSNP rs587778445, ClinGen allele CA160453.

ClinVar aggregate classification (germline): Benign/Likely benign. Review status: criteria provided, multiple submitters, no conflicts (2 of 4 stars). 7 submissions from 7 submitters: Benign (1); Likely benign (4). 2 of the submissions do not count toward it. Last evaluated 2026-02-04.

Conditions:
Renal cell carcinoma. Identifiers: Orphanet 217071, MedGen C0007134, MeSH D002292, MONDO:0005086, HP:0005584.
MET-related disorder. Also called: MET-related condition.
Hereditary cancer-predisposing syndrome. Also called: Tumor predisposition; Hereditary neoplastic syndrome; Neoplastic Syndromes, Hereditary; Hereditary Cancer Syndrome. Identifiers: Orphanet 140162, MedGen C0027672, MeSH D009386, MONDO:0015356.

Allele frequency attached by ClinVar (database versions not stated): gnomAD 0.00003; gnomAD exomes 0.00005 and 0.00025; TOPMed 0.00007; ExAC 0.00026.
gnomAD v4.1: 71 of 1,613,834 alleles (0.0044%); highest among the groups gnomAD compares: Admixed American, 0.11%; no homozygotes.

Submissions (7):

Labcorp Genetics (formerly Invitae), Labcorp
Classification: Likely benign for Renal cell carcinoma. Last evaluated: 2026-02-04. Review status: criteria provided, single submitter. Criteria: Invitae Variant Classification Sherloc (09022015). Collection method: clinical testing. Allele origin: germline.

Women's Health and Genetics/Laboratory Corporation of America, LabCorp
Classification: Likely benign. Last evaluated: 2025-09-03. Review status: criteria provided, single submitter. Criteria: LabCorp Variant Classification Summary - May 2015. Collection method: clinical testing. Allele origin: germline.

Quest Diagnostics Nichols Institute San Juan Capistrano
Classification: Likely benign. Last evaluated: 2025-08-20. Review status: criteria provided, single submitter. Criteria: Quest Diagnostics criteria. Collection method: clinical testing. Allele origin: unknown.

Ambry Genetics
Classification: Benign for Hereditary cancer-predisposing syndrome. Last evaluated: 2022-11-28. Review status: criteria provided, single submitter. Criteria: Ambry Variant Classification Scheme 2023. Collection method: clinical testing. Allele origin: germline.

Sema4
Classification: Likely benign for Hereditary cancer-predisposing syndrome. Last evaluated: 2021-05-07. Review status: criteria provided, single submitter. Criteria: Sema4 Curation Guidelines. Collection method: curation. Allele origin: germline.

PreventionGenetics, part of Exact Sciences
Classification: Likely benign for MET-related condition. Last evaluated: 2023-11-21. Review status: no assertion criteria provided. Collection method: clinical testing. Allele origin: germline. Not counted in ClinVar's aggregate classification.
Comment: This variant is classified as likely benign based on ACMG/AMP sequence variant interpretation guidelines (Richards et al. 2015 PMID: 25741868, with internal and published modifications).

ITMI
No classification provided. Condition: AllHighlyPenetrant. Last evaluated: 2013-09-19. Review status: no classification provided. Collection method: reference population. Allele origin: germline. Not counted in ClinVar's aggregate classification.
Comment: Please see associated publication for description of ethnicities

Literature cited by the submitters: PubMed 24728327 (cited by Sema4 and ITMI).